The following is an entry in ClinVar:

ClinVar aggregate classification (germline): Uncertain significance (1 of 4 stars; one submission).

gnomAD v4.1: 6 of 1,610,344 alleles (0.00037%); highest among the groups gnomAD compares: Non-Finnish European, 0.00025%; no homozygotes.

Submission:

Labcorp Genetics (formerly Invitae), Labcorp
Classification: Uncertain significance. Last evaluated: 2023-07-21. Review status: criteria provided, single submitter. Criteria: Invitae Variant Classification Sherloc (09022015). Collection method: clinical testing. Allele origin: germline.
Comment: This sequence change replaces serine, which is neutral and polar, with cysteine, which is neutral and slightly polar, at codon 971 of the RTTN protein (p.Ser971Cys). This variant is not present in population databases (gnomAD no frequency). In summary, the available evidence is currently insufficient to determine the role of this variant in disease. Therefore, it has been classified as a Variant of Uncertain Significance. Advanced modeling of protein sequence and biophysical properties (such as structural, functional, and spatial information, amino acid conservation, physicochemical variation, residue mobility, and thermodynamic stability) performed at Invitae indicates that this missense variant is not expected to disrupt RTTN protein function. ClinVar contains an entry for this variant (Variation ID: 1926792). This variant has not been reported in the literature in individuals affected with RTTN-related conditions.

NM_173630.4(RTTN):c.2912C>G (p.Ser971Cys)

Gene: RTTN (rotatin; minus strand). Cytogenetic location: 18q22.2.
Variant type: single nucleotide variant.
Coding change: c.2912C>G on transcript NM_173630.4 (MANE Select); coding-DNA position 2912, C replaced by G.
Protein change: p.Ser971Cys; replaces serine 971 with cysteine.
Molecular consequence: missense variant.
Genome position (GRCh38, 1-based): chr18:70,134,515, G>C on the plus strand (C>G on the coding strand, the complement: RTTN is on the minus strand). VCF-style: chr18-70134515-G-C. GRCh37 (hg19) VCF-style: chr18-67801751-G-C.
Other names: c.176C>G, p.Ser59Cys (NM_001318520.2); short protein forms S59C, S971C.
Identifiers: ClinVar variation 1926792 (VCV001926792.5), dbSNP rs201796504, ClinGen allele CA402695413.